The following is an entry in ClinVar:

NM_001077653.2(TBX20):c.487G>A (p.Ala163Thr)

Gene: TBX20 (T-box transcription factor 20; minus strand). Cytogenetic location: 7p14.2.
Variant type: single nucleotide variant.
Coding change: c.487G>A on transcript NM_001077653.2 (MANE Select); coding-DNA position 487, G replaced by A.
Protein change: p.Ala163Thr; replaces alanine 163 with threonine.
Molecular consequence: missense variant.
Genome position (GRCh38, 1-based): chr7:35,248,735, C>T on the plus strand (G>A on the coding strand, the complement: TBX20 is on the minus strand). VCF-style: chr7-35248735-C-T. GRCh37 (hg19) VCF-style: chr7-35288347-C-T.
Other names: c.487G>A, p.Ala163Thr (NM_001166220.1); short protein forms A163T.
Identifiers: ClinVar variation 1743770 (VCV001743770.5), dbSNP rs1215522044, ClinGen allele CA367264634.

ClinVar aggregate classification (germline): Uncertain significance. Review status: criteria provided, multiple submitters, no conflicts (2 of 4 stars). 2 submissions from 2 submitters: Uncertain significance (2). Last evaluated 2025-10-25.

Conditions:
Cardiovascular phenotype. Identifiers: MedGen CN230736.

Allele frequency attached by ClinVar (database versions not stated): gnomAD 0.00001; TOPMed 0.00001.
gnomAD v4.1: 6 of 1,613,988 alleles (0.00037%); highest among the groups gnomAD compares: Admixed American, 0.0017%; no homozygotes.

Submissions (2):

Ambry Genetics
Classification: Uncertain significance for Cardiovascular phenotype. Last evaluated: 2025-10-25. Review status: criteria provided, single submitter. Criteria: Ambry Variant Classification Scheme 2023. Collection method: clinical testing. Allele origin: germline.
Comment: The p.A163T variant (also known as c.487G>A), located in coding exon 3 of the TBX20 gene, results from a G to A substitution at nucleotide position 487. The alanine at codon 163 is replaced by threonine, an amino acid with similar properties. This amino acid position is conserved. In addition, this alteration is predicted to be deleterious by in silico analysis. Since supporting evidence is limited at this time, the clinical significance of this alteration remains unclear.

Labcorp Genetics (formerly Invitae), Labcorp
Classification: Uncertain significance. Last evaluated: 2025-07-29. Review status: criteria provided, single submitter. Criteria: Invitae Variant Classification Sherloc (09022015). Collection method: clinical testing. Allele origin: germline.
Comment: This sequence change replaces alanine, which is neutral and non-polar, with threonine, which is neutral and polar, at codon 163 of the TBX20 protein (p.Ala163Thr). This variant is not present in population databases (gnomAD no frequency). This variant has not been reported in the literature in individuals affected with TBX20-related conditions. ClinVar contains an entry for this variant (Variation ID: 1743770). An algorithm developed to predict the effect of missense changes on protein structure and function (PolyPhen-2) suggests that this variant is likely to be disruptive. In summary, the available evidence is currently insufficient to determine the role of this variant in disease. Therefore, it has been classified as a Variant of Uncertain Significance.